The following is an entry in ClinVar:

NM_000214.3(JAG1):c.2078G>C (p.Cys693Ser)

Gene: JAG1 (jagged canonical Notch ligand 1; minus strand). Cytogenetic location: 20p12.2.
Variant type: single nucleotide variant.
Coding change: c.2078G>C on transcript NM_000214.3 (MANE Select); coding-DNA position 2078, G replaced by C.
Protein change: p.Cys693Ser; replaces cysteine 693 with serine.
Molecular consequence: missense variant.
Genome position (GRCh38, 1-based): chr20:10,645,391, C>G on the plus strand (G>C on the coding strand, the complement: JAG1 is on the minus strand). VCF-style: chr20-10645391-C-G. GRCh37 (hg19) VCF-style: chr20-10626039-C-G.
Other names: short protein forms C693S.
Identifiers: ClinVar variation 2110292 (VCV002110292.4), dbSNP rs566563238, ClinGen allele CA408235448.

ClinVar aggregate classification (germline): Uncertain significance (1 of 4 stars; one submission).

Conditions:
Alagille syndrome due to a JAG1 point mutation. Also called: JAG1-Related Alagille Syndrome; Alagille Syndrome 1; HEPATIC DUCTULAR HYPOPLASIA, SYNDROMATIC. Identifiers: Orphanet 261619, Orphanet 52, MedGen C1956125, MONDO:0016862, OMIM 118450.

Submission:

Labcorp Genetics (formerly Invitae), Labcorp
Classification: Uncertain significance for Alagille syndrome due to a JAG1 point mutation. Last evaluated: 2022-03-12. Review status: criteria provided, single submitter. Criteria: Invitae Variant Classification Sherloc (09022015). Collection method: clinical testing. Allele origin: germline.
Comment: In summary, the available evidence is currently insufficient to determine the role of this variant in disease. Therefore, it has been classified as a Variant of Uncertain Significance. Advanced modeling of protein sequence and biophysical properties (such as structural, functional, and spatial information, amino acid conservation, physicochemical variation, residue mobility, and thermodynamic stability) performed at Invitae indicates that this missense variant is expected to disrupt JAG1 protein function. This variant has not been reported in the literature in individuals affected with JAG1-related conditions. This variant is not present in population databases (gnomAD no frequency). This sequence change replaces cysteine, which is neutral and slightly polar, with serine, which is neutral and polar, at codon 693 of the JAG1 protein (p.Cys693Ser).